The following is an entry in ClinVar:

ClinVar aggregate classification (germline): Uncertain significance (1 of 4 stars; one submission).

Conditions:
EP300-related disorder. Also called: EP300-related condition; EP300-related disorders.

gnomAD v4.1: 12 of 1,614,036 alleles (0.00074%); highest among the groups gnomAD compares: East Asian, 0.025%; no homozygotes.

Submission:

PreventionGenetics, part of Exact Sciences
Classification: Uncertain significance for EP300-related condition. Last evaluated: 2026-05-04. Review status: criteria provided, single submitter. Criteria: ACMG Guidelines, 2015. Collection method: clinical testing. Allele origin: germline.
Comment: The EP300 c.1916A>G variant is predicted to result in the amino acid substitution p.Lys639Arg. To our knowledge, this variant has not been reported in the literature. This variant is reported in 0.044% of alleles in individuals of East Asian descent in gnomAD. Although we suspect that this variant may be benign, at this time, the clinical significance of this variant is uncertain due to the absence of conclusive functional and genetic evidence.

NM_001429.4(EP300):c.1916A>G (p.Lys639Arg)

Gene: EP300 (EP300 lysine acetyltransferase; plus strand). Cytogenetic location: 22q13.2.
Variant type: single nucleotide variant.
Coding change: c.1916A>G on transcript NM_001429.4 (MANE Select); coding-DNA position 1916, A replaced by G.
Protein change: p.Lys639Arg; replaces lysine 639 with arginine.
Molecular consequence: missense variant.
Genome position (GRCh38, 1-based): chr22:41,141,085, A>G. VCF-style: chr22-41141085-A-G. GRCh37 (hg19) VCF-style: chr22-41537089-A-G.
Other names: c.1916A>G, p.Lys639Arg (NM_001362843.2); short protein forms K639R.
Identifiers: ClinVar variation 4987058 (VCV004987058.1).